The following is an entry in ClinVar:

NM_001348323.3(TRIP12):c.440A>T (p.Asn147Ile)

Gene: TRIP12 (thyroid hormone receptor interactor 12; minus strand). Cytogenetic location: 2q36.3.
Variant type: single nucleotide variant.
Coding change: c.440A>T on transcript NM_001348323.3 (MANE Select); coding-DNA position 440, A replaced by T.
Protein change: p.Asn147Ile; replaces asparagine 147 with isoleucine.
Molecular consequence: missense variant. On other transcripts: intron variant (1).
Genome position (GRCh38, 1-based): chr2:229,859,359, T>A on the plus strand (A>T on the coding strand, the complement: TRIP12 is on the minus strand). VCF-style: chr2-229859359-T-A. GRCh37 (hg19) VCF-style: chr2-230724075-T-A.
Other names: c.440A>T, p.Asn147Ile (NM_001284214.2, NM_001348315.2, NM_001348319.1 and 15 more transcripts); c.314A>T, p.Asn105Ile (NM_001284215.2, NM_001348316.2, NM_001348317.1 and 3 more transcripts); c.98+20623A>T (NM_001284216.2); short protein forms N105I, N147I.
Identifiers: ClinVar variation 3900536 (VCV003900536.1).

ClinVar aggregate classification (germline): Uncertain significance (1 of 4 stars; one submission).

Submission:

GeneDx
Classification: Uncertain significance. Last evaluated: 2024-11-20. Review status: criteria provided, single submitter. Criteria: GeneDx Variant Classification Process June 2021. Collection method: clinical testing. Allele origin: germline. Affected: yes.
Comment: Not observed at significant frequency in large population cohorts (gnomAD); In silico analysis supports that this missense variant has a deleterious effect on protein structure/function; Has not been previously published as pathogenic or benign to our knowledge